The following is an entry in ClinVar:

NM_005633.4(SOS1):c.3334C>T (p.Pro1112Ser)

Gene: SOS1 (SOS Ras/Rac guanine nucleotide exchange factor 1; minus strand). Cytogenetic location: 2p22.1.
Variant type: single nucleotide variant.
Coding change: c.3334C>T on transcript NM_005633.4 (MANE Select); coding-DNA position 3334, C replaced by T.
Protein change: p.Pro1112Ser; replaces proline 1112 with serine.
Molecular consequence: missense variant.
Genome position (GRCh38, 1-based): chr2:38,995,135, G>A on the plus strand (C>T on the coding strand, the complement: SOS1 is on the minus strand). VCF-style: chr2-38995135-G-A. GRCh37 (hg19) VCF-style: chr2-39222276-G-A.
Other names: c.3313C>T, p.Pro1105Ser (NM_001382394.1); c.3334C>T, p.Pro1112Ser (NM_001382395.1); short protein forms P1105S, P1112S.
Identifiers: ClinVar variation 1730340 (VCV001730340.5), dbSNP rs999553936, ClinGen allele CA346360308.

ClinVar aggregate classification (germline): Uncertain significance. Review status: criteria provided, multiple submitters, no conflicts (2 of 4 stars). 2 submissions from 2 submitters: Uncertain significance (2). Last evaluated 2023-03-26.

Conditions:
RASopathy. Also called: Noonan spectrum disorder; rasopathies. Identifiers: Orphanet 536391, MedGen C5555857, MONDO:0021060.
Cardiovascular phenotype. Identifiers: MedGen CN230736.

Allele frequency attached by ClinVar (database versions not stated): gnomAD 0.00001.
gnomAD v4.1: 4 of 1,613,734 alleles (0.00025%); highest among the groups gnomAD compares: Non-Finnish European, 0.00034%; no homozygotes.

Submissions (2):

Labcorp Genetics (formerly Invitae), Labcorp
Classification: Uncertain significance for RASopathy. Last evaluated: 2023-03-26. Review status: criteria provided, single submitter. Criteria: Invitae Variant Classification Sherloc (09022015). Collection method: clinical testing. Allele origin: germline.
Comment: This variant has not been reported in the literature in individuals affected with SOS1-related conditions. This sequence change replaces proline, which is neutral and non-polar, with serine, which is neutral and polar, at codon 1112 of the SOS1 protein (p.Pro1112Ser). This variant is present in population databases (no rsID available, gnomAD 0.007%). ClinVar contains an entry for this variant (Variation ID: 1730340). Advanced modeling of protein sequence and biophysical properties (such as structural, functional, and spatial information, amino acid conservation, physicochemical variation, residue mobility, and thermodynamic stability) has been performed at Invitae for this missense variant, however the output from this modeling did not meet the statistical confidence thresholds required to predict the impact of this variant on SOS1 protein function. In summary, the available evidence is currently insufficient to determine the role of this variant in disease. Therefore, it has been classified as a Variant of Uncertain Significance.

Ambry Genetics
Classification: Uncertain significance for Cardiovascular phenotype. Last evaluated: 2021-11-09. Review status: criteria provided, single submitter. Criteria: Ambry Variant Classification Scheme 2023. Collection method: clinical testing. Allele origin: germline.
Comment: The p.P1112S variant (also known as c.3334C>T), located in coding exon 20 of the SOS1 gene, results from a C to T substitution at nucleotide position 3334. The proline at codon 1112 is replaced by serine, an amino acid with similar properties. This amino acid position is conserved. In addition, the in silico prediction for this alteration is inconclusive. Since supporting evidence is limited at this time, the clinical significance of this alteration remains unclear.